The following is an entry in ClinVar:

NM_001371623.1(TCOF1):c.1030G>A (p.Glu344Lys)

Gene: TCOF1 (treacle ribosome biogenesis factor 1; plus strand). Cytogenetic location: 5q32.
Variant type: single nucleotide variant.
Coding change: c.1030G>A on transcript NM_001371623.1 (MANE Select); coding-DNA position 1030, G replaced by A.
Protein change: p.Glu344Lys; replaces glutamic acid 344 with lysine.
Molecular consequence: missense variant.
Genome position (GRCh38, 1-based): chr5:150,374,333, G>A. VCF-style: chr5-150374333-G-A. GRCh37 (hg19) VCF-style: chr5-149753896-G-A.
Other names: c.799G>A, p.Glu267Lys (NM_000356.4, NM_001135245.2, NM_001437406.1); c.1030G>A, p.Glu344Lys (NM_001008657.3, NM_001195141.2, NM_001135243.2 and 1 more transcripts); short protein forms E344K, E267K.
Identifiers: ClinVar variation 4696154 (VCV004696154.1).
Genomic context (GRCh38, chr5:150,374,333, plus strand): 5'-GGGGCTGTAGCCTCCCAGACCAAGGCAGGGAAGCCAGAGGAGGACTCAGAGAGCAGCAGC[G>A]AGGAGTCATCTGACAGTGAGGAGGAGACGCCAGCTGCCAAGGCCCTGCTTCAGGTGAGGC-3'
Protein context (NP_001358552.1, residues 334-354): KPEEDSESSS[Glu344Lys]ESSDSEEETP

ClinVar aggregate classification (germline): Uncertain significance (1 of 4 stars; one submission).

Conditions:
Treacher Collins syndrome 1 (TCS1). Also called: TCOF1-Related Treacher Collins Syndrome. Identifiers: Orphanet 861, MedGen CN315775, MONDO:0007944, OMIM 154500.

Submission:

Labcorp Genetics (formerly Invitae), Labcorp
Classification: Uncertain significance for Treacher Collins syndrome 1. Last evaluated: 2025-05-08. Review status: criteria provided, single submitter. Criteria: Invitae Variant Classification Sherloc (09022015). Collection method: clinical testing. Allele origin: germline.
Comment: This sequence change replaces glutamic acid, which is acidic and polar, with lysine, which is basic and polar, at codon 344 of the TCOF1 protein (p.Glu344Lys). The frequency data for this variant in the population databases is considered unreliable, as metrics indicate poor data quality at this position in the gnomAD database. This variant has not been reported in the literature in individuals affected with TCOF1-related conditions. Invitae Evidence Modeling of protein sequence and biophysical properties (such as structural, functional, and spatial information, amino acid conservation, physicochemical variation, residue mobility, and thermodynamic stability) indicates that this missense variant is not expected to disrupt TCOF1 protein function with a negative predictive value of 80%. In summary, the available evidence is currently insufficient to determine the role of this variant in disease. Therefore, it has been classified as a Variant of Uncertain Significance.